The following is an entry in ClinVar:

ClinVar aggregate classification (germline): Benign (1 of 4 stars; one submission).

Allele frequency attached by ClinVar (database versions not stated): 1000 Genomes Project 30x 0.75703; TOPMed 0.75935; 1000 Genomes Project 0.76438; gnomAD 0.76918 and 0.77931.
gnomAD v4.1: 118,731 of 152,068 alleles (78%); highest among the groups gnomAD compares: East Asian, 96%; 50,414 homozygotes.

Submission:

GeneDx
Classification: Benign. Last evaluated: 2018-06-19. Review status: criteria provided, single submitter. Criteria: GeneDx Variant Classification (06012015). Collection method: clinical testing. Allele origin: germline. Affected: yes.
Comment: This variant is considered likely benign or benign based on one or more of the following criteria: it is a conservative change, it occurs at a poorly conserved position in the protein, it is predicted to be benign by multiple in silico algorithms, and/or has population frequency not consistent with disease.

NM_025114.4(CEP290):c.4704+281G>A

Gene: CEP290 (centrosomal protein 290; minus strand). Cytogenetic location: 12q21.32.
Variant type: single nucleotide variant.
Coding change: c.4704+281G>A on transcript NM_025114.4 (MANE Select); 281 bases into the intron after coding-DNA position 4704, G replaced by A.
Molecular consequence: intron variant.
Genome position (GRCh38, 1-based): chr12:88,084,305, C>T on the plus strand (G>A on the coding strand, the complement: CEP290 is on the minus strand). VCF-style: chr12-88084305-C-T. GRCh37 (hg19) VCF-style: chr12-88478082-C-T.
Identifiers: ClinVar variation 668069 (VCV000668069.1), dbSNP rs2468248, ClinGen allele CA13739512.